The following is an entry in ClinVar:

NM_001367873.1(SOX6):c.2120T>C (p.Ile707Thr)

Gene: SOX6 (SRY-box transcription factor 6; minus strand). Cytogenetic location: 11p15.2.
Variant type: single nucleotide variant.
Coding change: c.2120T>C on transcript NM_001367873.1 (MANE Select); coding-DNA position 2120, T replaced by C.
Protein change: p.Ile707Thr; replaces isoleucine 707 with threonine.
Molecular consequence: missense variant.
Genome position (GRCh38, 1-based): chr11:15,986,267, A>G on the plus strand (T>C on the coding strand, the complement: SOX6 is on the minus strand). VCF-style: chr11-15986267-A-G. GRCh37 (hg19) VCF-style: chr11-16007813-A-G.
Other names: c.2039T>C, p.Ile680Thr (NM_001145811.2, NM_017508.3); c.2120T>C, p.Ile707Thr (NM_001145819.2); c.1997T>C, p.Ile666Thr (NM_001367872.1); c.2060T>C, p.Ile687Thr (NM_033326.3); short protein forms I666T, I680T, I687T, I707T.
Identifiers: ClinVar variation 4076200 (VCV004076200.1).

ClinVar aggregate classification (germline): Uncertain significance (1 of 4 stars; one submission).

Conditions:
Tolchin-Le Caignec syndrome. Also called: INTELLECTUAL DEVELOPMENTAL DISORDER WITH BEHAVIORAL ABNORMALITIES AND VARIABLE BONE DEFECTS. Identifiers: MedGen C5436509, MONDO:0033544, OMIM 618971.

gnomAD v4.1: 2 of 1,614,038 alleles (0.00012%); highest among the groups gnomAD compares: Non-Finnish European, 0.00017%; no homozygotes.

Submission:

Laboratorio de Genetica e Diagnostico Molecular, Hospital Israelita Albert Einstein
Classification: Uncertain significance for Tolchin-Le Caignec syndrome. Last evaluated: 2024-10-21. Review status: criteria provided, single submitter. Criteria: ACMG Guidelines, 2015. Collection method: clinical testing. Allele origin: germline. Affected: yes.
Comment: ACMG classification criteria: PM2 supporting, PP2 supporting